The following is an entry in ClinVar:

NM_024642.5(GALNT12):c.684C>T (p.Asp228=)

Gene: GALNT12 (polypeptide N-acetylgalactosaminyltransferase 12; plus strand). Cytogenetic location: 9q22.33.
Variant type: single nucleotide variant.
Coding change: c.684C>T on transcript NM_024642.5 (MANE Select); coding-DNA position 684, C replaced by T.
Protein change: p.Asp228=; no amino-acid change (aspartic acid 228 retained).
Molecular consequence: synonymous variant.
Genome position (GRCh38, 1-based): chr9:98,826,894, C>T. VCF-style: chr9-98826894-C-T. GRCh37 (hg19) VCF-style: chr9-101589176-C-T.
Identifiers: ClinVar variation 3227958 (VCV003227958.2), dbSNP rs2490502305, ClinGen allele CA466423840.

ClinVar aggregate classification (germline): Benign/Likely benign. Review status: criteria provided, multiple submitters, no conflicts (2 of 4 stars). 2 submissions from 2 submitters: Benign (1); Likely benign (1). Last evaluated 2026-04-24.

Conditions:
Colorectal cancer, susceptibility to, 1. Also called: COLORECTAL ADENOMA AND CANCER, SUSCEPTIBILITY TO; COLORECTAL CANCER, SUSCEPTIBILITY TO, ON CHROMOSOME 9. Identifiers: MedGen C1837315, MONDO:0012132, OMIM 608812.

gnomAD v4.1: 1 of 1,585,626 alleles (0.000063%); no homozygotes.

Submissions (2):

Myriad Genetics, Inc.
Classification: Benign for Colorectal cancer, susceptibility to, 1. Last evaluated: 2026-04-24. Review status: criteria provided, single submitter. Criteria: Myriad Autosomal Dominant, Autosomal Recessive and X-Linked Classification Criteria (2023). Collection method: clinical testing. Allele origin: unknown.
Comment: This variant is considered benign. This variant is a silent/synonymous amino acid change and it is not expected to impact splicing.

Ambry Genetics
Classification: Likely benign. Last evaluated: 2023-11-18. Review status: criteria provided, single submitter. Criteria: Ambry Variant Classification Scheme 2023. Collection method: clinical testing. Allele origin: germline.